The following is an entry in ClinVar:

ClinVar aggregate classification (germline): Uncertain significance (1 of 4 stars; one submission).

Conditions:
Supravalvar aortic stenosis (SVAS). Also called: Supravalvar aortic stenosis, Eisenberg type. Identifiers: Orphanet 3193, MedGen C0003499, MONDO:0008504, OMIM 185500, HP:0004381.

Submission:

Labcorp Genetics (formerly Invitae), Labcorp
Classification: Uncertain significance for Supravalvar aortic stenosis. Last evaluated: 2023-03-01. Review status: criteria provided, single submitter. Criteria: Invitae Variant Classification Sherloc (09022015). Collection method: clinical testing. Allele origin: germline.
Comment: In summary, the available evidence is currently insufficient to determine the role of this variant in disease. Therefore, it has been classified as a Variant of Uncertain Significance. Experimental studies and prediction algorithms are not available or were not evaluated, and the functional significance of this variant is currently unknown. This variant has not been reported in the literature in individuals affected with ELN-related conditions. This variant is present in population databases (rs782185396, gnomAD 0.006%). This variant, c.771_773del, results in the deletion of 1 amino acid(s) of the ELN protein (p.Ala260del), but otherwise preserves the integrity of the reading frame.

NM_000501.4(ELN):c.762AGC[3] (p.Ala260del)

Gene: ELN (elastin; plus strand). Cytogenetic location: 7q11.23.
Variant type: Microsatellite.
Coding change: c.762AGC[3] on transcript NM_000501.4 (MANE Select); three copies in a row of the 3-base unit AGC starting at c.762; the reference has four copies in a row; one copy, 3 bases deleted.
Protein change: p.Ala260del; deletes alanine 260.
Molecular consequence: inframe deletion.
Genome position (GRCh38, 1-based): chr7:74,048,528-74,048,530, AGC deleted; deleting any 3 consecutive bases within chr7:74,048,517-74,048,530 gives the same sequence; the position shown is the placement nearest the transcript's 3' end. VCF-style (leftmost placement, unchanged base first): chr7-74048516-GGCA-G. GRCh37 (hg19) VCF-style: chr7-73462846-GGCA-G.
Other names: c.732AGC[3], p.Ala250del (NM_001081752.3, NM_001278917.2); c.777AGC[3], p.Ala265del (NM_001081753.3, NM_001081754.3); c.762AGC[3], p.Ala260del (NM_001081755.3, NM_001278912.2, NM_001278915.2 and 1 more transcripts); c.654AGC[3], p.Ala224del (NM_001278913.2); c.747AGC[3], p.Ala255del (NM_001278914.2); c.720AGC[3], p.Ala246del (NM_001278916.2); c.630AGC[3], p.Ala216del (NM_001278918.2); short protein forms A246del, A260del, A224del, A250del, A216del, A255del, A265del.
Identifiers: ClinVar variation 2909888 (VCV002909888.3), dbSNP rs782185396, ClinGen allele CA4292684.